The following is an entry in ClinVar:

NM_015443.4(KANSL1):c.908_909del (p.Lys303fs)

Gene: KANSL1 (KAT8 regulatory NSL complex subunit 1). Cytogenetic location: 17q21.31.
Variant type: Deletion.
Coding change: c.908_909del on transcript NM_015443.4 (MANE Select); coding-DNA positions 908 to 909, 2 bases deleted.
Protein change: p.Lys303fs; shifts the reading frame from lysine 303.
Molecular consequence: frameshift variant. On other transcripts: intron variant (4).
Genome position: GRCh38 VCF-style: chr17-46171234-GCT-G. GRCh37 (hg19) VCF-style: chr17-44248600-GCT-G.
Other names: c.908_909del, p.Lys303fs (NM_001193465.2, NM_001193466.2, NM_001379198.1 and 18 more transcripts); c.23+52435_23+52436del (NM_001405885.1, NM_001405884.1, NM_001405883.1 and 1 more transcripts); short protein forms K303fs.
Identifiers: ClinVar variation 3250486 (VCV003250486.2), dbSNP rs2545081175.

ClinVar aggregate classification (germline): Pathogenic (1 of 4 stars; one submission).

Conditions:
Koolen-de Vries syndrome (KDVS). Identifiers: Orphanet 96169, MedGen C1864871, MONDO:0012496, OMIM 610443.

Submission:

Genomic Medicine, Universita Cattolica del Sacro Cuore
Classification: Pathogenic for Koolen-de Vries syndrome. Last evaluated: 2024-06-25. Review status: criteria provided, single submitter. Criteria: ACMG Guidelines, 2015. Collection method: clinical testing. Allele origin: de novo. Inheritance: Sporadic. Affected: yes. Observed: 1 heterozygote.
Comment: Absent from large population studies. It has already been reported as causative of KdVS (PMID:26306646). By cDNA analysis, it has been demonstrated that the variant involves the functional full-length KANSL1 gene. NMD is expected to be triggered. IMPORTANT: this variant has been classified as pathogenic in this case because it affects a functional allele of the KANSL1 gene. In theory, it is possible that in other cases it, instead, involves a duplicated genomic region that includes the first two (or three) exons of the KANSL1 transcript NM_015443.4. In such a situation it should be considered benign. It is not possible to define if the variant affects the duplicated region or the functional KANSL1 gene sequence solely on the basis of genomic DNA sequencing results.